The following is an entry in ClinVar:

ClinVar aggregate classification (germline): Uncertain significance (1 of 4 stars; one submission).

Conditions:
Congenital contractural arachnodactyly (CCA). Also called: BEALS SYNDROME; Beals-Hecht syndrome; Arthrogryposis, distal, type 9. Identifiers: Orphanet 115, MedGen C0220668, MONDO:0007363, OMIM 121050.

Allele frequency attached by ClinVar (database versions not stated): gnomAD exomes below 0.00001; TOPMed 0.00001; gnomAD 0.00002.

Submission:

Labcorp Genetics (formerly Invitae), Labcorp
Classification: Uncertain significance for Congenital contractural arachnodactyly. Last evaluated: 2021-06-18. Review status: criteria provided, single submitter. Criteria: Invitae Variant Classification Sherloc (09022015). Collection method: clinical testing. Allele origin: germline.
Comment: In summary, the available evidence is currently insufficient to determine the role of this variant in disease. Therefore, it has been classified as a Variant of Uncertain Significance. Advanced modeling of protein sequence and biophysical properties (such as structural, functional, and spatial information, amino acid conservation, physicochemical variation, residue mobility, and thermodynamic stability) performed at Invitae indicates that this missense variant is not expected to disrupt FBN2 protein function. This variant has not been reported in the literature in individuals with FBN2-related conditions. This variant is not present in population databases (ExAC no frequency). This sequence change replaces threonine with isoleucine at codon 353 of the FBN2 protein (p.Thr353Ile). The threonine residue is highly conserved and there is a moderate physicochemical difference between threonine and isoleucine.

NM_001999.4(FBN2):c.1058C>T (p.Thr353Ile)

Gene: FBN2 (fibrillin 2; minus strand). Cytogenetic location: 5q23.3.
Variant type: single nucleotide variant.
Coding change: c.1058C>T on transcript NM_001999.4 (MANE Select); coding-DNA position 1058, C replaced by T.
Protein change: p.Thr353Ile; replaces threonine 353 with isoleucine.
Molecular consequence: missense variant.
Genome position (GRCh38, 1-based): chr5:128,408,694, G>A on the plus strand (C>T on the coding strand, the complement: FBN2 is on the minus strand). VCF-style: chr5-128408694-G-A. GRCh37 (hg19) VCF-style: chr5-127744387-G-A.
Other names: short protein forms T353I.
Identifiers: ClinVar variation 1388354 (VCV001388354.8), dbSNP rs1204127908, ClinGen allele CA360753207.